The following is an entry in ClinVar:

ClinVar aggregate classification (germline): Likely pathogenic (1 of 4 stars; one submission).

Conditions:
Mucopolysaccharidosis, MPS-III-C (MPS3C). Also called: MPS IIIC (Sanfilippo Syndrome Type C); MUCOPOLYSACCHARIDOSIS, TYPE IIIC; Mucopolysaccharidosis type IIIC (Sanfilippo C); mucopolysaccharidosis type 3C; SANFILIPPO SYNDROME C; MPS III C. Identifiers: Orphanet 581, Orphanet 79271, MedGen C0086649, MONDO:0009657, OMIM 252930.

Allele frequency attached by ClinVar (database versions not stated): gnomAD exomes below 0.00001.
gnomAD v4.1: 1 of 1,607,164 alleles (0.000062%); highest among the groups gnomAD compares: Non-Finnish European, 0.000085%; no homozygotes.

Submission:

Myriad Genetics, Inc.
Classification: Likely pathogenic for Mucopolysaccharidosis, MPS-III-C. Last evaluated: 2020-01-25. Review status: criteria provided, single submitter. Criteria: Myriad Women's Health Autosomal Recessive and X-Linked Classification Criteria (2019). Collection method: clinical testing. Allele origin: unknown.
Comment: NM_152419.2(HGSNAT):c.157C>T(Q53*) is expected to be pathogenic in the context of mucopolysaccharidosis type IIIC. This variant is predicted to lead to an abnormal or absent protein product due to the creation of a premature termination codon in HGSNAT, a gene where loss-of-function variants are known to be pathogenic. Please note: this variant was assessed in the context of healthy population screening.

NM_152419.3(HGSNAT):c.157C>T (p.Gln53Ter)

Gene: HGSNAT (heparan-alpha-glucosaminide N-acetyltransferase; plus strand). Cytogenetic location: 8p11.21.
Variant type: single nucleotide variant.
Coding change: c.157C>T on transcript NM_152419.3 (MANE Select); coding-DNA position 157, C replaced by T.
Protein change: p.Gln53Ter; replaces glutamine 53 with a stop codon.
Molecular consequence: nonsense. On other transcripts: 5 prime UTR variant (1).
Genome position (GRCh38, 1-based): chr8:43,146,986, C>T. VCF-style: chr8-43146986-C-T. GRCh37 (hg19) VCF-style: chr8-43002129-C-T.
Other names: c.157C>T, p.Gln53Ter (NM_001363227.2, NM_001363228.2); c.-677C>T (NM_001363229.2); short protein forms Q53*.
Identifiers: ClinVar variation 984371 (VCV000984371.3), dbSNP rs1802738210, ClinGen allele CA371124823.
Genomic context (GRCh38, chr8:43,146,986, plus strand): 5'-AACTTTTCCTAATTTCTACCAGACTTAGACAAAAAAAGACATGCAGAGCTGAAGATGGAT[C>T]AGGCTTTGCTACTCATCCATAATGAACTTCTCTGGACCAACTTGACCGTCTACTGGAAAT-3'